The following is an entry in ClinVar:

NM_007294.4(BRCA1):c.5485G>A (p.Glu1829Lys)

Gene: BRCA1 (BRCA1 DNA repair associated; minus strand). Cytogenetic location: 17q21.31.
Variant type: single nucleotide variant.
Coding change: c.5485G>A on transcript NM_007294.4 (MANE Select); coding-DNA position 5485, G replaced by A.
Protein change: p.Glu1829Lys; replaces glutamic acid 1829 with lysine.
Molecular consequence: missense variant. On other transcripts: synonymous variant (17), non-coding transcript variant (1).
Genome position (GRCh38, 1-based): chr17:43,045,785, C>T on the plus strand (G>A on the coding strand, the complement: BRCA1 is on the minus strand). VCF-style: chr17-43045785-C-T. GRCh37 (hg19) VCF-style: chr17-41197802-C-T.
Other names: c.2170G>A, p.Glu724Lys (NM_001408400.1, NM_001408401.1, NM_001408402.1 and 7 more transcripts); c.2095G>A, p.Glu699Lys (NM_001408415.1, NM_001408416.1, NM_001408412.1 and 2 more transcripts); c.2059G>A, p.Glu687Lys (NM_001408418.1, NM_001408419.1, NM_001408420.1); c.2056G>A, p.Glu686Lys (NM_001408421.1, NM_001408422.1, NM_001408423.1 and 1 more transcripts); c.2050G>A, p.Glu684Lys (NM_001408435.1, NM_001408436.1, NM_001408437.1 and 10 more transcripts); c.2035G>A, p.Glu679Lys (NM_001408455.1, NM_001408456.1, NM_001408457.1 and 3 more transcripts); c.2032G>A, p.Glu678Lys (NM_001408458.1, NM_001408459.1, NM_001408460.1 and 7 more transcripts); c.2029G>A, p.Glu677Lys (NM_001408468.1, NM_001408469.1, NM_001408470.1); and 83 more; short protein forms E1829K, E725K, E1850K, E1782K, E1717K, E1759K, E1785K, E1809K.
Identifiers: ClinVar variation 225731 (VCV000225731.30), dbSNP rs869320789, ClinGen allele CA10576080.

ClinVar aggregate classification (germline): Uncertain significance. Review status: criteria provided, multiple submitters, no conflicts (2 of 4 stars). 9 submissions from 9 submitters: Uncertain significance (9). Last evaluated 2026-07-24.

Conditions:
BRCA1-related disorder. Also called: BRCA1-related condition.
Hereditary breast ovarian cancer syndrome. Also called: Breast and ovarian cancer; Hereditary breast and ovarian cancer; Hereditary breast and ovarian cancer syndrome; Hereditary breast and/or ovarian cancer syndrome; BRCA1- and BRCA2-Associated Hereditary Breast and Ovarian Cancer; Hereditary breast and ovarian cancer syndrome (HBOC). Identifiers: Orphanet 145, MedGen C0677776, MeSH D061325, MONDO:0003582. Disease mechanism: loss of function.
Breast-ovarian cancer, familial, susceptibility to, 1 (BROVCA1). Also called: BRCA1 Hereditary Breast and Ovarian Cancer; OVARIAN CANCER, SUSCEPTIBILITY TO. Identifiers: Orphanet 145, MedGen C2676676, MONDO:0011450, OMIM 604370. Disease mechanism: loss of function.
Hereditary cancer-predisposing syndrome. Also called: Tumor predisposition; Hereditary Cancer Syndrome; Neoplastic Syndromes, Hereditary; Hereditary neoplastic syndrome. Identifiers: Orphanet 140162, MedGen C0027672, MeSH D009386, MONDO:0015356.

Allele frequency attached by ClinVar (database versions not stated): gnomAD exomes below 0.00001; TOPMed 0.00001.

Submissions (10):

PreventionGenetics, part of Exact Sciences
Classification: Uncertain significance for BRCA1-related condition. Last evaluated: 2026-07-24. Review status: criteria provided, single submitter. Criteria: ACMG Guidelines, 2015. Collection method: clinical testing. Allele origin: germline.
Comment: The BRCA1 c.5485G>A variant is predicted to result in the amino acid substitution p.Glu1829Lys. To our knowledge, this variant has not been reported in the literature. This variant occurs within a region of the BRCA1 gene that is predicted to be a hot spot for missense variation (Table 2, Dines et al. 2020. PubMed ID: 31911673). This variant is reported in 0.0062% of alleles in individuals of African descent in gnomAD and is reported in ClinVar as a variant of uncertain significance (Variation ID: 225731). At this time, the clinical significance of this variant is uncertain due to the absence of conclusive functional and genetic evidence.

Women's Health and Genetics/Laboratory Corporation of America, LabCorp
Classification: Uncertain significance. Last evaluated: 2026-04-21. Review status: criteria provided, single submitter. Criteria: LabCorp Variant Classification Summary - May 2015. Collection method: clinical testing. Allele origin: germline.
Comment: Variant summary: BRCA1 c.5485G>A (p.Glu1829Lys) results in a conservative amino acid change in the encoded protein sequence. Algorithms developed to predict the effect of missense changes on protein structure and function are either unavailable or do not agree on the potential impact of this missense change. The variant allele was found at a frequency of 4e-06 in 251000 control chromosomes. The available data on variant occurrences in the general population are insufficient to allow any conclusion about variant significance. To our knowledge, no occurrence of c.5485G>A in individuals affected with BRCA1-related conditions has been reported. At least one publication reports experimental evidence evaluating an impact on protein function and showed an intermediate effect of this variant on homology directed repair (HDR) activity (Findlay_2018). The following publication has been ascertained in the context of this evaluation (PMID: 30209399). ClinVar contains an entry for this variant (Variation ID: 225731). Based on the evidence outlined above, the variant was classified as uncertain significance.

Color Diagnostics, LLC DBA Color Health
Classification: Uncertain significance for Hereditary cancer-predisposing syndrome. Last evaluated: 2025-10-06. Review status: criteria provided, single submitter. Criteria: ACMG Guidelines, 2015. Collection method: clinical testing. Allele origin: germline.
Comment: This missense variant replaces glutamic acid with lysine at codon 1829 of the BRCA1 protein. Computational prediction suggests that this variant may not impact protein structure and function. A functional study reported that this variant protein has an intermediate activity between the benign and pathogenic controls in a haploid cell proliferation assay (PMID: 30209399). This variant has not been reported in individuals affected with BRCA1-related disorders in the literature. This variant has been identified in 1/1461888 chromosomes in the general population by the Genome Aggregation Database (gnomAD). The available evidence is insufficient to determine the role of this variant in disease conclusively. Therefore, this variant is classified as a Variant of Uncertain Significance.

Labcorp Genetics (formerly Invitae), Labcorp
Classification: Uncertain significance for Hereditary breast ovarian cancer syndrome. Last evaluated: 2025-09-21. Review status: criteria provided, single submitter. Criteria: Invitae Variant Classification Sherloc (09022015). Collection method: clinical testing. Allele origin: germline.
Comment: This sequence change replaces glutamic acid, which is acidic and polar, with lysine, which is basic and polar, at codon 1829 of the BRCA1 protein (p.Glu1829Lys). This variant is present in population databases (no rsID available, gnomAD 0.007%). This variant has not been reported in the literature in individuals affected with BRCA1-related conditions. ClinVar contains an entry for this variant (Variation ID: 225731). Invitae Evidence Modeling of protein sequence and biophysical properties (such as structural, functional, and spatial information, amino acid conservation, physicochemical variation, residue mobility, and thermodynamic stability) indicates that this missense variant is not expected to disrupt BRCA1 protein function with a negative predictive value of 95%. Experimental studies are conflicting or provide insufficient evidence to determine the effect of this variant on BRCA1 function (PMID: 30209399). In summary, the available evidence is currently insufficient to determine the role of this variant in disease. Therefore, it has been classified as a Variant of Uncertain Significance.

Ambry Genetics
Classification: Uncertain significance for Hereditary cancer-predisposing syndrome. Last evaluated: 2025-06-25. Review status: criteria provided, single submitter. Criteria: Ambry Variant Classification Scheme 2023. Collection method: clinical testing. Allele origin: germline.
Comment: The p.E1829K variant (also known as c.5485G>A), located in coding exon 22 of the BRCA1 gene, results from a G to A substitution at nucleotide position 5485. The glutamic acid at codon 1829 is replaced by lysine, an amino acid with similar properties. This amino acid position is not well conserved on limited sequence alignment. In addition, the in silico prediction for this alteration is inconclusive. Since supporting evidence is limited at this time, the clinical significance of this alteration remains unclear.

GeneDx
Classification: Uncertain significance. Last evaluated: 2024-10-23. Review status: criteria provided, single submitter. Criteria: GeneDx Variant Classification Process June 2021. Collection method: clinical testing. Allele origin: germline. Affected: yes.
Comment: Published functional studies demonstrate an intermediate effect: variant classified as intermediate based on a saturation genome editing (SGE) assay measuring cell survival (PMID: 30209399); In silico analysis indicates that this missense variant does not alter protein structure/function; Also known as 5604G>A; This variant is associated with the following publications: (PMID: 29854292, 29884841, 25348405, 32377563, 30209399)

Baylor Genetics
Classification: Uncertain significance for Breast-ovarian cancer, familial, susceptibility to, 1. Last evaluated: 2023-12-14. Review status: criteria provided, single submitter. Criteria: ACMG Guidelines, 2015. Collection method: clinical testing. Allele origin: unknown.

Quest Diagnostics Nichols Institute San Juan Capistrano
Classification: Uncertain significance. Last evaluated: 2019-04-26. Review status: criteria provided, single submitter. Criteria: Quest Diagnostics criteria. Collection method: clinical testing. Allele origin: germline.

Molecular Genetics Laboratory, University of Michigan
Classification: Uncertain significance for Breast-ovarian cancer, familial, susceptibility to, 1. Last evaluated: 2016-04-21. Review status: criteria provided, single submitter. Criteria: ACMG Guidelines, 2015. Collection method: clinical testing. Allele origin: germline. Affected: yes.

Brotman Baty Institute, University of Washington
No classification provided (evidence only). Condition: Breast-ovarian cancer, familial 1. Review status: no classification provided. Collection method: in vitro. Allele origin: not applicable. Functional consequence: function_uncertain_variant. Not counted in ClinVar's aggregate classification.
ClinVar note: "not provided" was previously submitted as the classification for the variant. However, the classification appeared to be based only on an observation of functional data so it was converted to no classification on 2025-07-30.

Literature cited by the submitters: PubMed 30209399 (cited by 3 submitters).